The following is an entry in ClinVar:

NM_000275.3(OCA2):c.1239+1G>C

Gene: OCA2 (OCA2 melanosomal transmembrane protein; minus strand). Cytogenetic location: 15q13.1.
Variant type: single nucleotide variant.
Coding change: c.1239+1G>C on transcript NM_000275.3 (MANE Select); the canonical splice donor site of the intron after coding-DNA position 1239, G replaced by C.
Molecular consequence: splice donor variant.
Genome position (GRCh38, 1-based): chr15:27,986,586, C>G on the plus strand (G>C on the coding strand, the complement: OCA2 is on the minus strand). VCF-style: chr15-27986586-C-G. GRCh37 (hg19) VCF-style: chr15-28231732-C-G.
Other names: c.1167+1G>C (NM_001300984.2).
Identifiers: ClinVar variation 2817170 (VCV002817170.3), dbSNP rs2548350000, ClinGen allele CA391360745.

ClinVar aggregate classification (germline): Likely pathogenic (1 of 4 stars; one submission).

gnomAD v4.1: 1 of 1,565,148 alleles (0.000064%); highest among the groups gnomAD compares: Non-Finnish European, 0.000088%; no homozygotes.

Submission:

Labcorp Genetics (formerly Invitae), Labcorp
Classification: Likely pathogenic. Last evaluated: 2022-11-28. Review status: criteria provided, single submitter. Criteria: Invitae Variant Classification Sherloc (09022015). Collection method: clinical testing. Allele origin: germline.
Comment: In summary, the currently available evidence indicates that the variant is pathogenic, but additional data are needed to prove that conclusively. Therefore, this variant has been classified as Likely Pathogenic. Algorithms developed to predict the effect of sequence changes on RNA splicing suggest that this variant may disrupt the consensus splice site. This variant has not been reported in the literature in individuals affected with OCA2-related conditions. This variant is not present in population databases (gnomAD no frequency). This sequence change affects a donor splice site in intron 12 of the OCA2 gene. It is expected to disrupt RNA splicing. Variants that disrupt the donor or acceptor splice site typically lead to a loss of protein function (PMID: 16199547), and loss-of-function variants in OCA2 are known to be pathogenic (PMID: 19865097, 21541274).

Literature cited by the submitters: PubMed 16199547; PubMed 19865097; PubMed 21541274.